The following is an entry in ClinVar:

NM_003060.4(SLC22A5):c.1053-1G>A

Gene: SLC22A5 (solute carrier family 22 member 5; plus strand). Cytogenetic location: 5q31.1.
Variant type: single nucleotide variant.
Coding change: c.1053-1G>A on transcript NM_003060.4 (MANE Select); the canonical splice acceptor site of the intron before coding-DNA position 1053, G replaced by A.
Molecular consequence: splice acceptor variant.
Genome position (GRCh38, 1-based): chr5:132,390,689, G>A. VCF-style: chr5-132390689-G-A. GRCh37 (hg19) VCF-style: chr5-131726381-G-A.
Other names: c.1125-1G>A (NM_001308122.2).
Identifiers: ClinVar variation 5004066 (VCV005004066.1).

ClinVar aggregate classification (germline): Likely pathogenic (1 of 4 stars; one submission).

Conditions:
Renal carnitine transport defect (CDSP). Also called: Primary carnitine deficiency; Systemic primary carnitine deficiency disease; CARNITINE DEFICIENCY, SYSTEMIC, DUE TO DEFECT IN RENAL REABSORPTION OF CARNITINE; CARNITINE TRANSPORTER, PLASMA-MEMBRANE, DEFICIENCY OF; CARNITINE UPTAKE DEFECT; Systemic primary carnitine deficiency. Identifiers: Orphanet 158, MedGen C0342788, MONDO:0008919, OMIM 212140.

gnomAD v4.1: 2 of 1,610,854 alleles (0.00012%); highest among the groups gnomAD compares: Non-Finnish European, 0.00017%; no homozygotes.

Submission:

Myriad Genetics, Inc.
Classification: Likely pathogenic for Renal carnitine transport defect. Last evaluated: 2025-07-25. Review status: criteria provided, single submitter. Criteria: Myriad Autosomal Dominant, Autosomal Recessive and X-Linked Classification Criteria (2023). Collection method: clinical testing. Allele origin: unknown.
Comment: NM_003060.3(SLC22A5):c.1053-1G>A is a variant in a canonical splice site classified as likely pathogenic in the context of primary carnitine deficiency. c.1053-1G>A has not been observed in cases with relevant disease. Relevant functional assessments of this variant are not available in the literature. c.1053-1G>A has not been observed in referenced population frequency databases. In summary, NM_003060.3(SLC22A5):c.1053-1G>A is a variant in a canonical splice site in a gene where loss of function is a known mechanism of disease and is predicted to disrupt protein function. Please note: this variant was assessed in the context of healthy population screening.